The following is an entry in ClinVar:

ClinVar aggregate classification (germline): Benign. Review status: criteria provided, single submitter (1 of 4 stars). 2 submissions from 2 submitters: Benign (1). 1 of the submissions does not count toward it. Last evaluated 2019-03-01.

Conditions:
Familial colorectal cancer. Identifiers: MedGen CN280943, MONDO:0023113. Disease mechanism: loss of function.

Allele frequency attached by ClinVar (database versions not stated): gnomAD 0.05499 and 0.05625; TOPMed 0.06229; 1000 Genomes Project 30x 0.09588; 1000 Genomes Project 0.09864.
gnomAD v4.1: 8,526 of 152,166 alleles (5.6%); highest among the groups gnomAD compares: East Asian, 15%; 440 homozygotes.

Submissions (5):

GeneDx
Classification: Benign. Last evaluated: 2019-03-01. Review status: criteria provided, single submitter. Criteria: GeneDx Variant Classification Process June 2021. Collection method: clinical testing. Allele origin: germline. Affected: yes.

Dr. Peter K. Rogan Lab, Western University
No classification provided (evidence only). Condition: Thymoma. Review status: no classification provided. Collection method: in vitro. Allele origin: not applicable. Functional consequence: retained intron. Not counted in ClinVar's aggregate classification.

Dr. Peter K. Rogan Lab, Western University
No classification provided (evidence only). Condition: Ovarian serous cystadenocarcinoma. Review status: no classification provided. Collection method: in vitro. Allele origin: not applicable. Functional consequence: retained intron. Not counted in ClinVar's aggregate classification.

Dr. Peter K. Rogan Lab, Western University
No classification provided (evidence only). Condition: Ovarian serous cystadenocarcinoma. Review status: no classification provided. Collection method: in vitro. Allele origin: not applicable. Functional consequence: retained intron. Not counted in ClinVar's aggregate classification.

Systems Biology Platform Zhejiang California International NanoSystems Institute
Classification: other for Familial colorectal cancer. Review status: no assertion criteria provided. Collection method: not provided. Allele origin: unknown. Not counted in ClinVar's aggregate classification.
ClinVar note: Converted during submission from cancer to other.

NM_000038.6(APC):c.1958+235A>G

Gene: APC (APC regulator of Wnt signaling pathway; plus strand). Cytogenetic location: 5q22.2.
Variant type: single nucleotide variant.
Coding change: c.1958+235A>G on transcript NM_000038.6 (MANE Select); 235 bases into the intron after coding-DNA position 1958, A replaced by G.
Molecular consequence: intron variant.
Genome position (GRCh38, 1-based): chr5:112,835,400, A>G. VCF-style: chr5-112835400-A-G. GRCh37 (hg19) VCF-style: chr5-112171097-A-G.
Other names: NC_000005.9:g.112171097A>G; c.1958+235A>G (NM_001354895.2, NM_001127510.3); c.1988+235A>G (NM_001354897.2); c.1685+235A>G (NM_001354902.2); c.1904+235A>G (NM_001127511.3); c.1883+235A>G (NM_001354898.2); c.1580+235A>G (NM_001354904.2); c.1109+235A>G (NM_001354906.2); and 6 more.
Identifiers: ClinVar variation 83213 (VCV000083213.5), dbSNP rs6899169, ClinGen allele CA006627.
Genomic context (GRCh38, chr5:112,835,400, plus strand): 5'-CAGTTTATAGTATTATAGAGGAGACTAAATTAAGCAAATTATAGTTGAGAGGTGTAGCCC[A>G]TAGGTGGAGGAAAAAATAGTCACAAATATTGTAACAAAATAATCCATTTCTATTAGTATA-3'